The following is an entry in ClinVar:

ClinVar aggregate classification (germline): Pathogenic (1 of 4 stars; one submission).

Conditions:
Vici syndrome (VICIS). Identifiers: Orphanet 1493, MedGen C1855772, MONDO:0009452, OMIM 242840.

Submission:

Labcorp Genetics (formerly Invitae), Labcorp
Classification: Pathogenic for Vici syndrome. Last evaluated: 2023-06-16. Review status: criteria provided, single submitter. Criteria: Invitae Variant Classification Sherloc (09022015). Collection method: clinical testing. Allele origin: germline.
Comment: For these reasons, this variant has been classified as Pathogenic. This variant has not been reported in the literature in individuals affected with EPG5-related conditions. This variant is not present in population databases (gnomAD no frequency). This sequence change creates a premature translational stop signal (p.Asn2230Metfs*6) in the EPG5 gene. It is expected to result in an absent or disrupted protein product. Loss-of-function variants in EPG5 are known to be pathogenic (PMID: 23222957, 23674064).

Literature cited by the submitters: PubMed 23222957; PubMed 23674064.

NM_020964.3(EPG5):c.6689del (p.Asn2230fs)

Gene: EPG5 (ectopic P-granules 5 autophagy tethering factor; minus strand). Cytogenetic location: 18q12.3.
Variant type: Deletion.
Coding change: c.6689del on transcript NM_020964.3 (MANE Select); coding-DNA position 6689, one base deleted (A; older notation c.6689delA).
Protein change: p.Asn2230fs; shifts the reading frame from asparagine 2230.
Molecular consequence: frameshift variant.
Genome position (GRCh38, 1-based): chr18:45,865,692, T deleted on the plus strand (A on the coding strand, the reverse complement: EPG5 is on the minus strand); the first of 4 consecutive T bases (chr18:45,865,692-45,865,695); deleting any one gives the same sequence. VCF-style (leftmost placement, unchanged base first): chr18-45865691-AT-A. GRCh37 (hg19) VCF-style: chr18-43445656-AT-A.
Other names: c.6689del, p.Asn2230fs (NM_001410858.1); c.6686del, p.Asn2229fs (NM_001410859.1); short protein forms N2229fs, N2230fs.
Identifiers: ClinVar variation 2791002 (VCV002791002.3), dbSNP rs1568101785, ClinGen allele CA919977253.